The following is an entry in ClinVar:

ClinVar aggregate classification (germline): Pathogenic. Review status: criteria provided, multiple submitters, no conflicts (2 of 4 stars). 3 submissions from 3 submitters: Pathogenic (2). 1 of the submissions does not count toward it. Last evaluated 2022-09-02.

Conditions:
Hereditary breast ovarian cancer syndrome. Also called: Hereditary breast and ovarian cancer syndrome; Hereditary breast and ovarian cancer syndrome (HBOC); Breast and ovarian cancer; Hereditary breast and/or ovarian cancer syndrome; Hereditary breast and ovarian cancer; BRCA1- and BRCA2-Associated Hereditary Breast and Ovarian Cancer. Identifiers: Orphanet 145, MedGen C0677776, MeSH D061325, MONDO:0003582. Disease mechanism: loss of function.
Gastric cancer. Also called: Stomach cancer; Malignant tumor of stomach. Identifiers: MedGen C0024623, MeSH D013274, MONDO:0001056, OMIM 613659, HP:0012126.

Submissions (3):

Women's Health and Genetics/Laboratory Corporation of America, LabCorp
Classification: Pathogenic for Hereditary breast ovarian cancer syndrome. Last evaluated: 2022-09-02. Review status: criteria provided, single submitter. Criteria: LabCorp Variant Classification Summary - May 2015. Collection method: clinical testing. Allele origin: germline.
Comment: Variant summary: BRCA1 c.2860_2864delCTATC (p.Leu954IlefsX15) results in a premature termination codon in exon 10 of a 23 exon protein, predicted to cause a truncation of the encoded protein or absence of the protein due to nonsense mediated decay, which are commonly known mechanisms for disease. Truncations downstream of this position have been classified as pathogenic by our laboratory. The variant was absent in 251360 control chromosomes. c.2860_2864delCTATC has been reported in the literature in 2 individuals affected with Hereditary Breast And Ovarian Cancer Syndrome (Hirasawa_2017 and Kobayashi_2021). To our knowledge, no experimental evidence demonstrating an impact on protein function has been reported. One clinical diagnostic laboratory has submitted clinical-significance assessments for this variant to ClinVar and classified as pathogenic. Based on the evidence outlined above, the variant was classified as pathogenic.

Quest Diagnostics Nichols Institute San Juan Capistrano
Classification: Pathogenic. Last evaluated: 2019-06-13. Review status: criteria provided, single submitter. Criteria: Quest Diagnostics criteria. Collection method: clinical testing. Allele origin: germline.
Comment: The variant results in a shift of the reading frame, and is therefore predicted to result in the loss of a functional protein. Found in at least one symptomatic patient, and not found in general population data.

Laboratory for Genotyping Development, RIKEN
Classification: Pathogenic for Gastric cancer. Last evaluated: 2021-07-01. Review status: no assertion criteria provided. Collection method: research. Allele origin: germline. Not counted in ClinVar's aggregate classification.

Literature cited by the submitters: PubMed 29348823 (cited by Women's Health and Genetics/Laboratory Corporation of America, LabCorp and Quest Diagnostics Nichols Institute San Juan Capistrano); PubMed 33037428 (cited by Women's Health and Genetics/Laboratory Corporation of America, LabCorp); PubMed 36988593 (cited by Laboratory for Genotyping Development, RIKEN).

NM_007294.4(BRCA1):c.2860_2864del (p.Leu954fs)

Gene: BRCA1 (BRCA1 DNA repair associated; minus strand). Cytogenetic location: 17q21.31.
Variant type: Deletion.
Coding change: c.2860_2864del on transcript NM_007294.4 (MANE Select); coding-DNA positions 2860 to 2864, 5 bases deleted (CTATC; older notation c.2860_2864delCTATC).
Protein change: p.Leu954fs; shifts the reading frame from leucine 954.
Molecular consequence: frameshift variant. On other transcripts: intron variant (137).
Genome position (GRCh38, 1-based): chr17:43,092,667-43,092,671, GATAG deleted on the plus strand (CTATC on the coding strand, the reverse complement: BRCA1 is on the minus strand). VCF-style (leftmost placement, unchanged base first): chr17-43092666-TGATAG-T. GRCh37 (hg19) VCF-style: chr17-41244683-TGATAG-T.
Other names: c.2647_2651del, p.Leu883fs (NM_001407571.1, NM_001407896.1, NM_001407897.1 and 9 more transcripts); c.2860_2864del, p.Leu954fs (NM_001407581.1, NM_001407582.1, NM_001407583.1 and 30 more transcripts); c.2857_2861del, p.Leu953fs (NM_001407587.1, NM_001407590.1, NM_001407591.1 and 22 more transcripts); c.2782_2786del, p.Leu928fs (NM_001407653.1, NM_001407654.1, NM_001407655.1 and 4 more transcripts); c.2779_2783del, p.Leu927fs (NM_001407659.1, NM_001407660.1, NM_001407661.1 and 1 more transcripts); c.2734_2738del, p.Leu912fs (NM_001407671.1, NM_001407672.1, NM_001407673.1 and 11 more transcripts); c.2737_2741del, p.Leu913fs (NM_001407674.1, NM_001407675.1, NM_001407676.1 and 19 more transcripts); c.2719_2723del, p.Leu907fs (NM_001407692.1, NM_001407694.1, NM_001407695.1 and 29 more transcripts); and 42 more; short protein forms L907fs, L954fs, L826fs, L827fs, L842fs, L865fs, L912fs, L951fs.
Identifiers: ClinVar variation 801067 (VCV000801067.24), dbSNP rs1597867185, ClinGen allele CA915950036.